The following is an entry in ClinVar:

NM_001142800.2(EYS):c.6842_6843del (p.Tyr2280_Phe2281insTer)

Gene: EYS (EGF-like photoreceptor maintenance factor; minus strand). Cytogenetic location: 6q12.
Variant type: Deletion.
Coding change: c.6842_6843del on transcript NM_001142800.2 (MANE Select); coding-DNA positions 6842 to 6843, 2 bases deleted (TT; older notation c.6842_6843delTT).
Protein change: p.Tyr2280_Phe2281insTer.
Molecular consequence: nonsense.
Genome position (GRCh38, 1-based): chr6:63,984,595-63,984,596, AA deleted on the plus strand (TT on the coding strand, the reverse complement: EYS is on the minus strand); deleting any 2 consecutive bases within chr6:63,984,595-63,984,598 gives the same sequence; the c. name uses the placement nearest the transcript's 3' end. VCF-style (leftmost placement, unchanged base first): chr6-63984594-CAA-C. GRCh37 (hg19) VCF-style: chr6-64694487-CAA-C.
Other names: c.6842_6843del, p.Tyr2280_Phe2281insTer (NM_001292009.2).
Identifiers: ClinVar variation 957226 (VCV000957226.7), dbSNP rs1767268980, ClinGen allele CA1139659659.

ClinVar aggregate classification (germline): Pathogenic (1 of 4 stars; one submission).

Submission:

Labcorp Genetics (formerly Invitae), Labcorp
Classification: Pathogenic. Last evaluated: 2020-05-06. Review status: criteria provided, single submitter. Criteria: Invitae Variant Classification Sherloc (09022015). Collection method: clinical testing. Allele origin: germline.
Comment: This sequence change creates a premature translational stop signal (p.Phe2281*) in the EYS gene. It is expected to result in an absent or disrupted protein product. This variant is not present in population databases (ExAC no frequency). This variant has not been reported in the literature in individuals with EYS-related conditions. Loss-of-function variants in EYS are known to be pathogenic (PMID: 18836446, 20333770). For these reasons, this variant has been classified as Pathogenic.

Literature cited by the submitters: PubMed 18836446; PubMed 20333770.